The following is an entry in ClinVar:

NM_004990.4(MARS1):c.875A>G (p.Asp292Gly)

Gene: MARS1 (methionyl-tRNA synthetase 1; plus strand). Cytogenetic location: 12q13.3.
Variant type: single nucleotide variant.
Coding change: c.875A>G on transcript NM_004990.4 (MANE Select); coding-DNA position 875, A replaced by G.
Protein change: p.Asp292Gly; replaces aspartic acid 292 with glycine.
Molecular consequence: missense variant.
Genome position (GRCh38, 1-based): chr12:57,498,261, A>G. VCF-style: chr12-57498261-A-G. GRCh37 (hg19) VCF-style: chr12-57892044-A-G.
Other names: short protein forms D292G.
Identifiers: ClinVar variation 1800434 (VCV001800434.5), dbSNP rs202096486, ClinGen allele CA385454970.

ClinVar aggregate classification (germline): Uncertain significance. Review status: criteria provided, multiple submitters, no conflicts (2 of 4 stars). 2 submissions from 2 submitters: Uncertain significance (2). Last evaluated 2023-11-25.

Conditions:
Severe early-onset pulmonary alveolar proteinosis due to MARS deficiency. Also called: PULMONARY ALVEOLAR PROTEINOSIS, REUNION ISLAND; Interstitial lung and liver disease. Identifiers: Orphanet 440427, MedGen C4225400, MONDO:0014206, OMIM 615486.
Charcot-Marie-Tooth disease axonal type 2U. Also called: CHARCOT-MARIE-TOOTH NEUROPATHY, TYPE 2U; CHARCOT-MARIE-TOOTH DISEASE, AXONAL, AUTOSOMAL DOMINANT, TYPE 2U. Identifiers: Orphanet 397735, MedGen C4084821, MONDO:0014566, OMIM 616280.

Allele frequency attached by ClinVar (database versions not stated): TOPMed below 0.00001.
gnomAD v4.1: 2 of 1,613,888 alleles (0.00012%); highest among the groups gnomAD compares: Admixed American, 0.0017%; no homozygotes.

Submissions (2):

Labcorp Genetics (formerly Invitae), Labcorp
Classification: Uncertain significance for Charcot-Marie-Tooth disease axonal type 2U; Severe early-onset pulmonary alveolar proteinosis due to MARS deficiency. Last evaluated: 2023-11-25. Review status: criteria provided, single submitter. Criteria: Invitae Variant Classification Sherloc (09022015). Collection method: clinical testing. Allele origin: germline.
Comment: This sequence change replaces aspartic acid, which is acidic and polar, with glycine, which is neutral and non-polar, at codon 292 of the MARS protein (p.Asp292Gly). This variant is not present in population databases (gnomAD no frequency). This variant has not been reported in the literature in individuals affected with MARS-related conditions. ClinVar contains an entry for this variant (Variation ID: 1800434). An algorithm developed to predict the effect of missense changes on protein structure and function (PolyPhen-2) suggests that this variant is likely to be disruptive. In summary, the available evidence is currently insufficient to determine the role of this variant in disease. Therefore, it has been classified as a Variant of Uncertain Significance.

Ambry Genetics
Classification: Uncertain significance. Last evaluated: 2019-11-08. Review status: criteria provided, single submitter. Criteria: Ambry Variant Classification Scheme 2023. Collection method: clinical testing. Allele origin: germline.
Comment: The p.D292G variant (also known as c.875A>G), located in coding exon 8 of the MARS gene, results from an A to G substitution at nucleotide position 875. The aspartic acid at codon 292 is replaced by glycine, an amino acid with similar properties. This amino acid position is highly conserved in available vertebrate species. In addition, this alteration is predicted to be deleterious by in silico analysis. Since supporting evidence is limited at this time, the clinical significance of this alteration remains unclear.